The following is an entry in ClinVar:

ClinVar aggregate classification (germline): Benign/Likely benign. Review status: criteria provided, multiple submitters, no conflicts (2 of 4 stars). 3 submissions from 3 submitters: Benign (1); Likely benign (2). Last evaluated 2026-07-01.

Conditions:
Sessile serrated polyposis cancer syndrome (SSPCS). Identifiers: Orphanet 157798, MedGen C4310714, MONDO:0014919, OMIM 617108.

Allele frequency attached by ClinVar (database versions not stated): gnomAD 0.00001; TOPMed below 0.00001; gnomAD exomes 0.00004 and 0.00008; ExAC 0.00047.
gnomAD v4.1: 54 of 1,561,122 alleles (0.0035%); highest among the groups gnomAD compares: South Asian, 0.061%; no homozygotes.

Submissions (3):

Myriad Genetics, Inc.
Classification: Benign for Sessile serrated polyposis cancer syndrome. Last evaluated: 2026-07-01. Review status: criteria provided, single submitter. Criteria: Myriad Autosomal Dominant, Autosomal Recessive and X-Linked Classification Criteria (2023). Collection method: clinical testing. Allele origin: unknown.
Comment: This variant is considered benign. This variant is a silent/synonymous amino acid change and it is not expected to impact splicing.

Ambry Genetics
Classification: Likely benign. Last evaluated: 2024-12-08. Review status: criteria provided, single submitter. Criteria: Ambry Variant Classification Scheme 2023. Collection method: clinical testing. Allele origin: germline.

Labcorp Genetics (formerly Invitae), Labcorp
Classification: Likely benign. Last evaluated: 2024-11-27. Review status: criteria provided, single submitter. Criteria: Invitae Variant Classification Sherloc (09022015). Collection method: clinical testing. Allele origin: germline.

NM_017763.6(RNF43):c.1017C>G (p.Leu339=)

Gene: RNF43 (ring finger protein 43; minus strand). Cytogenetic location: 17q22.
Variant type: single nucleotide variant.
Coding change: c.1017C>G on transcript NM_017763.6 (MANE Select); coding-DNA position 1017, C replaced by G.
Protein change: p.Leu339=; no amino-acid change (leucine 339 retained).
Molecular consequence: synonymous variant.
Genome position (GRCh38, 1-based): chr17:58,358,759, G>C on the plus strand (C>G on the coding strand, the complement: RNF43 is on the minus strand). VCF-style: chr17-58358759-G-C. GRCh37 (hg19) VCF-style: chr17-56436120-G-C.
Other names: c.1017C>G, p.Leu339= (NM_001305544.3); c.636C>G, p.Leu212= (NM_001305545.2).
Identifiers: ClinVar variation 1149241 (VCV001149241.11), dbSNP rs745728704, ClinGen allele CA8673248.
Genomic context (GRCh38, chr17:58,358,759, plus strand): 5'-CAACAGGTAGGCAGCAGGGAGGTGGTAGTGGGCATGGCCGGGATGCTGGCGAATGAGGTG[G>C]AGTCTTCGACCTGGTTCTTGGTAAGATCGAGAGGGTCCCAGGGACTGGGAAAATGAATCT-3'
Protein context (NP_060233.3, residues 329-349): SRSYQEPGRR[Leu339=]HLIRQHPGHA